The following is an entry in ClinVar:

NM_004958.4(MTOR):c.1242A>G (p.Gln414=)

Gene: MTOR (mechanistic target of rapamycin kinase; minus strand). Cytogenetic location: 1p36.22.
Variant type: single nucleotide variant.
Coding change: c.1242A>G on transcript NM_004958.4 (MANE Select); coding-DNA position 1242, A replaced by G.
Protein change: p.Gln414=; no amino-acid change (glutamine 414 retained).
Molecular consequence: synonymous variant. On other transcripts: 5 prime UTR variant (1).
Genome position (GRCh38, 1-based): chr1:11,243,284, T>C on the plus strand (A>G on the coding strand, the complement: MTOR is on the minus strand). VCF-style: chr1-11243284-T-C. GRCh37 (hg19) VCF-style: chr1-11303341-T-C.
Other names: c.1242A>G, p.Gln414= (NM_001386500.1); c.-7A>G (NM_001386501.1).
Identifiers: ClinVar variation 1136636 (VCV001136636.17), dbSNP rs747856143, ClinGen allele CA590770.

ClinVar aggregate classification (germline): Likely benign. Review status: criteria provided, multiple submitters, no conflicts (2 of 4 stars). 3 submissions from 3 submitters: Likely benign (3). Last evaluated 2025-07-02.

Allele frequency attached by ClinVar (database versions not stated): gnomAD exomes below 0.00001; ExAC 0.00001.
gnomAD v4.1: 5 of 1,614,112 alleles (0.00031%); highest among the groups gnomAD compares: South Asian, 0.0044%; no homozygotes.

Submissions (3):

Labcorp Genetics (formerly Invitae), Labcorp
Classification: Likely benign. Last evaluated: 2025-07-02. Review status: criteria provided, single submitter. Criteria: Invitae Variant Classification Sherloc (09022015). Collection method: clinical testing. Allele origin: germline.

CeGaT Center for Human Genetics Tuebingen
Classification: Likely benign. Last evaluated: 2025-04-01. Review status: criteria provided, single submitter. Criteria: CeGaT Center For Human Genetics Tuebingen Variant Classification Criteria Version 2. Collection method: clinical testing. Allele origin: germline. Affected: yes. Observed: 1 variant allele.
Comment: MTOR: BP4, BP7

Blueprint Genetics
Classification: Likely benign. Last evaluated: 2020-11-11. Review status: criteria provided, single submitter. Criteria: ACMG Guidelines, 2015. Collection method: clinical testing. Allele origin: germline.